The following is an entry in ClinVar:

NM_004714.3(DYRK1B):c.1876G>A (p.Ala626Thr)

Gene: DYRK1B (dual specificity tyrosine phosphorylation regulated kinase 1B; minus strand). Cytogenetic location: 19q13.2.
Variant type: single nucleotide variant.
Coding change: c.1876G>A on transcript NM_004714.3 (MANE Select); coding-DNA position 1876, G replaced by A.
Protein change: p.Ala626Thr; replaces alanine 626 with threonine.
Molecular consequence: missense variant.
Genome position (GRCh38, 1-based): chr19:39,825,729, C>T on the plus strand (G>A on the coding strand, the complement: DYRK1B is on the minus strand). VCF-style: chr19-39825729-C-T. GRCh37 (hg19) VCF-style: chr19-40316369-C-T.
Other names: c.1756G>A, p.Ala586Thr (NM_006483.3); c.1792G>A, p.Ala598Thr (NM_006484.3); short protein forms A626T, A586T, A598T.
Identifiers: ClinVar variation 4985969 (VCV004985969.1).

ClinVar aggregate classification (germline): Uncertain significance (1 of 4 stars; one submission).

Conditions:
DYRK1B-related disorder. Also called: DYRK1B-related condition.

gnomAD v4.1: 1 of 1,553,308 alleles (0.000064%); highest among the groups gnomAD compares: Admixed American, 0.002%; no homozygotes.

Submission:

PreventionGenetics, part of Exact Sciences
Classification: Uncertain significance for DYRK1B-related condition. Last evaluated: 2024-12-03. Review status: criteria provided, single submitter. Criteria: ACMG Guidelines, 2015. Collection method: clinical testing. Allele origin: germline.
Comment: The DYRK1B c.1876G>A variant is predicted to result in the amino acid substitution p.Ala626Thr. To our knowledge, this variant has not been reported in the literature. This variant is reported in 0.0040% of alleles in individuals of Latino descent in gnomAD. At this time, the clinical significance of this variant is uncertain due to the absence of conclusive functional and genetic evidence.